The following is an entry in ClinVar:

NM_006922.4(SCN3A):c.4469A>G (p.Lys1490Arg)

Gene: SCN3A (sodium voltage-gated channel alpha subunit 3; minus strand). Cytogenetic location: 2q24.3.
Variant type: single nucleotide variant.
Coding change: c.4469A>G on transcript NM_006922.4 (MANE Select); coding-DNA position 4469, A replaced by G.
Protein change: p.Lys1490Arg; replaces lysine 1490 with arginine.
Molecular consequence: missense variant.
Genome position (GRCh38, 1-based): chr2:165,094,441, T>C on the plus strand (A>G on the coding strand, the complement: SCN3A is on the minus strand). VCF-style: chr2-165094441-T-C. GRCh37 (hg19) VCF-style: chr2-165950951-T-C.
Other names: c.4322A>G, p.Lys1441Arg (NM_001081676.2, NM_001081677.2); short protein forms K1441R, K1490R.
Identifiers: ClinVar variation 2752680 (VCV002752680.3), dbSNP rs2468055197, ClinGen allele CA349020633.

ClinVar aggregate classification (germline): Uncertain significance (1 of 4 stars; one submission).

Submission:

Labcorp Genetics (formerly Invitae), Labcorp
Classification: Uncertain significance. Last evaluated: 2023-11-05. Review status: criteria provided, single submitter. Criteria: Invitae Variant Classification Sherloc (09022015). Collection method: clinical testing. Allele origin: germline.
Comment: This sequence change replaces lysine, which is basic and polar, with arginine, which is basic and polar, at codon 1490 of the SCN3A protein (p.Lys1490Arg). This variant is not present in population databases (gnomAD no frequency). This variant has not been reported in the literature in individuals affected with SCN3A-related conditions. Advanced modeling of protein sequence and biophysical properties (such as structural, functional, and spatial information, amino acid conservation, physicochemical variation, residue mobility, and thermodynamic stability) performed at Invitae indicates that this missense variant is not expected to disrupt SCN3A protein function with a negative predictive value of 95%. In summary, the available evidence is currently insufficient to determine the role of this variant in disease. Therefore, it has been classified as a Variant of Uncertain Significance.